The following is an entry in ClinVar:

NM_032409.3(PINK1):c.67G>A (p.Gly23Ser)

Gene: PINK1 (PTEN induced kinase 1; plus strand). Cytogenetic location: 1p36.12.
Variant type: single nucleotide variant.
Coding change: c.67G>A on transcript NM_032409.3 (MANE Select); coding-DNA position 67, G replaced by A.
Protein change: p.Gly23Ser; replaces glycine 23 with serine.
Molecular consequence: missense variant.
Genome position (GRCh38, 1-based): chr1:20,633,615, G>A. VCF-style: chr1-20633615-G-A. GRCh37 (hg19) VCF-style: chr1-20960108-G-A.
Other names: short protein forms G23S.
Identifiers: ClinVar variation 447940 (VCV000447940.13), dbSNP rs551542832, ClinGen allele CA18987709.
Genomic context (GRCh38, chr1:20,633,615, plus strand): 5'-GTGCGACAGGCGCTGGGCCGCGGCCTGCAGCTGGGTCGAGCGCTGCTGCTGCGCTTCACG[G>A]GCAAGCCCGGCCGGGCCTACGGCTTGGGGCGGCCGGGCCCGGCGGCGGGCTGTGTCCGCG-3'
Protein context (NP_115785.1, residues 13-33): LGRALLLRFT[Gly23Ser]KPGRAYGLGR

ClinVar aggregate classification (germline): Conflicting classifications of pathogenicity. Review status: criteria provided, conflicting classifications (1 of 4 stars). 4 submissions from 4 submitters: Uncertain significance (2); Likely benign (1). 1 of the submissions does not count toward it. Last evaluated 2026-01-19.

Conditions:
PINK1-related disorder. Also called: PINK1-related condition.
Autosomal recessive early-onset Parkinson disease 6 (PARK6). Also called: PARKINSON DISEASE 6, EARLY-ONSET; PINK1-Related Parkinson Disease; PARKINSON DISEASE 6, MODIFIER OF; PINK1 Type of Young-Onset Parkinson Disease. Identifiers: Orphanet 2828, MedGen C1853833, MONDO:0011613, OMIM 605909.

Allele frequency attached by ClinVar (database versions not stated): gnomAD exomes 0.00010; gnomAD 0.00122 and 0.00125; TOPMed 0.00129; 1000 Genomes Project 30x 0.00234; 1000 Genomes Project 0.00240.
gnomAD v4.1: 306 of 1,290,110 alleles (0.024%); highest among the groups gnomAD compares: African/African-American, 0.42%; 1 homozygote.

Submissions (4):

Labcorp Genetics (formerly Invitae), Labcorp
Classification: Likely benign for Autosomal recessive early-onset Parkinson disease 6. Last evaluated: 2026-01-19. Review status: criteria provided, single submitter. Criteria: Invitae Variant Classification Sherloc (09022015). Collection method: clinical testing. Allele origin: germline.

Illumina Laboratory Services, Illumina
Classification: Uncertain significance for Autosomal recessive early-onset Parkinson disease 6. Last evaluated: 2018-01-12. Review status: criteria provided, single submitter. Criteria: ICSL Variant Classification Criteria 13 December 2019. Collection method: clinical testing. Allele origin: germline.

Athena Diagnostics
Classification: Uncertain significance. Last evaluated: 2017-02-02. Review status: criteria provided, single submitter. Criteria: Athena Diagnostics Criteria. Collection method: clinical testing. Allele origin: germline.

PreventionGenetics, part of Exact Sciences
Classification: Likely benign for PINK1-related condition. Last evaluated: 2022-02-18. Review status: no assertion criteria provided. Collection method: clinical testing. Allele origin: germline. Not counted in ClinVar's aggregate classification.
Comment: This variant is classified as likely benign based on ACMG/AMP sequence variant interpretation guidelines (Richards et al. 2015 PMID: 25741868, with internal and published modifications).